The following is an entry in ClinVar:

ClinVar aggregate classification (germline): Uncertain significance. Review status: criteria provided, multiple submitters, no conflicts (2 of 4 stars). 2 submissions from 2 submitters: Uncertain significance (2). Last evaluated 2024-06-11.

Submissions (2):

Labcorp Genetics (formerly Invitae), Labcorp
Classification: Uncertain significance. Last evaluated: 2024-06-11. Review status: criteria provided, single submitter. Criteria: Invitae Variant Classification Sherloc (09022015). Collection method: clinical testing. Allele origin: germline.
Comment: This sequence change replaces arginine, which is basic and polar, with serine, which is neutral and polar, at codon 156 of the TUBA8 protein (p.Arg156Ser). This variant is not present in population databases (gnomAD no frequency). This variant has not been reported in the literature in individuals affected with TUBA8-related conditions. ClinVar contains an entry for this variant (Variation ID: 2281812). Advanced modeling of protein sequence and biophysical properties (such as structural, functional, and spatial information, amino acid conservation, physicochemical variation, residue mobility, and thermodynamic stability) performed at Invitae indicates that this missense variant is not expected to disrupt TUBA8 protein function with a negative predictive value of 80%. In summary, the available evidence is currently insufficient to determine the role of this variant in disease. Therefore, it has been classified as a Variant of Uncertain Significance.

Ambry Genetics
Classification: Uncertain significance. Last evaluated: 2022-04-07. Review status: criteria provided, single submitter. Criteria: Ambry Variant Classification Scheme 2023. Collection method: clinical testing. Allele origin: germline.

NM_018943.3(TUBA8):c.466C>A (p.Arg156Ser)

Gene: TUBA8 (tubulin alpha 8; plus strand). Cytogenetic location: 22q11.21.
Variant type: single nucleotide variant.
Coding change: c.466C>A on transcript NM_018943.3 (MANE Select); coding-DNA position 466, C replaced by A.
Protein change: p.Arg156Ser; replaces arginine 156 with serine.
Molecular consequence: missense variant.
Genome position (GRCh38, 1-based): chr22:18,126,444, C>A. VCF-style: chr22-18126444-C-A. GRCh37 (hg19) VCF-style: chr22-18609211-C-A.
Other names: c.268C>A, p.Arg90Ser (NM_001193414.2); short protein forms R90S, R156S.
Identifiers: ClinVar variation 2281812 (VCV002281812.4), dbSNP rs142925927, ClinGen allele CA410263035.